The following is an entry in ClinVar:

NM_080916.3(DGUOK):c.142+4A>C

Genes: DGUOK (deoxyguanosine kinase; plus strand), LOC129934096 (ATAC-STARR-seq lymphoblastoid active region 16036; plus strand). Cytogenetic location: 2p13.1.
Variant type: single nucleotide variant.
Coding change: c.142+4A>C on transcript NM_080916.3 (MANE Select); 4 bases into the intron after coding-DNA position 142, A replaced by C.
Molecular consequence: intron variant.
Genome position (GRCh38, 1-based): chr2:73,927,056, A>C. VCF-style: chr2-73927056-A-C. GRCh37 (hg19) VCF-style: chr2-74154183-A-C.
Other names: c.-123+4A>C (NM_001318861.2, NM_001318862.2); c.142+4A>C (NM_080918.3, NM_001318859.2); c.-37+4A>C (NM_001318860.2, NM_001318863.2).
Identifiers: ClinVar variation 2584542 (VCV002584542.1), dbSNP rs2466942669, ClinGen allele CA2582342407.
Genomic context (GRCh38, chr2:73,927,056, plus strand): 5'-CCAGAGGCCTGCACGCGGGGCGCGGGCCCCGAAGGCTCTCCATCGAAGGCAACATTGGTA[A>C]GGGCCGGAAAGCGGCTGCCAAGCCTTGGCCTCCGCCACGCAGGCGACAGAGGCTGGGAAA-3'

ClinVar aggregate classification (germline): Likely pathogenic (1 of 4 stars; one submission).

Conditions:
Mitochondrial DNA depletion syndrome 3 (hepatocerebral type). Also called: Deoxyguanosine Kinase Deficiency; MITOCHONDRIAL DNA DEPLETION SYNDROME 3; Mitochondrial DNA depletion syndrome, hepatocerebral form due to DGUOK deficiency. Identifiers: Orphanet 279934, MedGen CN074093, MONDO:0009636, OMIM 251880.

Submission:

Institute of Medical Genetics and Genomics, Sir Ganga Ram Hospital
Classification: Likely pathogenic for Mitochondrial DNA depletion syndrome 3 (hepatocerebral type). Last evaluated: 2023-10-19. Review status: criteria provided, single submitter. Criteria: ACMG Guidelines, 2015. Collection method: clinical testing. Allele origin: germline. Inheritance: Autosomal recessive inheritance. Affected: yes. Observed: 1 homozygote.
Comment: This nucleotide change is absent from gnomAD population database [PM2]. In-silico predictions (dbscSNV) favor a deleterious nature of this variant [PP3]. Based on the available evidence, variant has been classified as a "Likely Pathogenic".